The following is an entry in ClinVar:

NM_001321120.2(TBX4):c.165CGC[6] (p.Ala60_Glu61insAla)

Gene: TBX4 (T-box transcription factor 4; plus strand). Cytogenetic location: 17q23.2.
Variant type: Microsatellite.
Coding change: c.165CGC[6] on transcript NM_001321120.2 (MANE Select); six copies in a row of the 3-base unit CGC starting at c.165; the reference has five copies in a row; one copy, 3 bases duplicated.
Protein change: p.Ala60_Glu61insAla.
Molecular consequence: inframe insertion.
Genome position (GRCh38, 1-based): chr17:61,456,667-61,456,669, CGC duplicated; duplicating any 3 consecutive bases within chr17:61,456,655-61,456,669 gives the same sequence; the position shown is the placement nearest the transcript's 3' end. VCF-style (leftmost placement, unchanged base first): chr17-61456654-T-TCGC. GRCh37 (hg19) VCF-style: chr17-59534015-T-TCGC.
Other names: c.165CGC[6], p.Ala60_Glu61insAla (NM_018488.3).
Identifiers: ClinVar variation 2711205 (VCV002711205.4), dbSNP rs772891363, ClinGen allele CA292260614.

ClinVar aggregate classification (germline): Conflicting classifications of pathogenicity. Review status: criteria provided, conflicting classifications (1 of 4 stars). 2 submissions from 2 submitters: Uncertain significance (1); Likely benign (1). Last evaluated 2024-01-16.

Submissions (2):

Blueprint Genetics
Classification: Likely benign. Last evaluated: 2024-01-16. Review status: criteria provided, single submitter. Criteria: ACMG Guidelines, 2015. Collection method: clinical testing. Allele origin: germline.

Labcorp Genetics (formerly Invitae), Labcorp
Classification: Uncertain significance. Last evaluated: 2022-12-31. Review status: criteria provided, single submitter. Criteria: Invitae Variant Classification Sherloc (09022015). Collection method: clinical testing. Allele origin: germline.
Comment: This variant, c.177_179dup, results in the insertion of 1 amino acid(s) of the TBX4 protein (p.Ala60dup), but otherwise preserves the integrity of the reading frame. This variant is present in population databases (no rsID available, gnomAD 0.03%). This variant has not been reported in the literature in individuals affected with TBX4-related conditions. Experimental studies and prediction algorithms are not available or were not evaluated, and the functional significance of this variant is currently unknown. In summary, the available evidence is currently insufficient to determine the role of this variant in disease. Therefore, it has been classified as a Variant of Uncertain Significance.